The following is an entry in ClinVar:

ClinVar aggregate classification (germline): Uncertain significance. Review status: criteria provided, multiple submitters, no conflicts (2 of 4 stars). 3 submissions from 3 submitters: Uncertain significance (3). Last evaluated 2024-07-23.

Conditions:
Colorectal cancer. Also called: Colorectal cancer, somatic; Malignant Colorectal Neoplasm. Identifiers: MedGen C0346629, MONDO:0005575, OMIM 114500.
Hereditary cancer-predisposing syndrome. Also called: Hereditary Cancer Syndrome; Hereditary neoplastic syndrome; Tumor predisposition; Neoplastic Syndromes, Hereditary. Identifiers: Orphanet 140162, MedGen C0027672, MeSH D009386, MONDO:0015356.
Oligodontia-cancer predisposition syndrome. Also called: TOOTH AGENESIS-COLORECTAL CANCER SYNDROME. Identifiers: Orphanet 300576, MedGen C1837750, MONDO:0012075, OMIM 608615. Disease mechanism: loss of function.

Submissions (3):

Ambry Genetics
Classification: Uncertain significance for Hereditary cancer-predisposing syndrome. Last evaluated: 2024-07-23. Review status: criteria provided, single submitter. Criteria: Ambry Variant Classification Scheme 2023. Collection method: clinical testing. Allele origin: germline.
Comment: The p.S809R variant (also known as c.2427C>A), located in coding exon 10 of the AXIN2 gene, results from a C to A substitution at nucleotide position 2427. The serine at codon 809 is replaced by arginine, an amino acid with dissimilar properties. This amino acid position is conserved. In addition, the in silico prediction for this alteration is inconclusive. Since supporting evidence is limited at this time, the clinical significance of this alteration remains unclear.

Labcorp Genetics (formerly Invitae), Labcorp
Classification: Uncertain significance for Oligodontia-cancer predisposition syndrome. Last evaluated: 2024-05-28. Review status: criteria provided, single submitter. Criteria: Invitae Variant Classification Sherloc (09022015). Collection method: clinical testing. Allele origin: germline.
Comment: This sequence change replaces serine, which is neutral and polar, with arginine, which is basic and polar, at codon 809 of the AXIN2 protein (p.Ser809Arg). This variant is not present in population databases (gnomAD no frequency). This variant has not been reported in the literature in individuals affected with AXIN2-related conditions. ClinVar contains an entry for this variant (Variation ID: 1791103). Advanced modeling of protein sequence and biophysical properties (such as structural, functional, and spatial information, amino acid conservation, physicochemical variation, residue mobility, and thermodynamic stability) performed at Invitae indicates that this missense variant is expected to disrupt AXIN2 protein function with a positive predictive value of 80%. In summary, the available evidence is currently insufficient to determine the role of this variant in disease. Therefore, it has been classified as a Variant of Uncertain Significance.

Baylor Genetics
Classification: Uncertain significance for Colorectal cancer. Last evaluated: 2023-07-07. Review status: criteria provided, single submitter. Criteria: ACMG Guidelines, 2015. Collection method: clinical testing. Allele origin: unknown.

NM_004655.4(AXIN2):c.2427C>A (p.Ser809Arg)

Gene: AXIN2 (axin 2; minus strand). Cytogenetic location: 17q24.1.
Variant type: single nucleotide variant.
Coding change: c.2427C>A on transcript NM_004655.4 (MANE Select); coding-DNA position 2427, C replaced by A.
Protein change: p.Ser809Arg; replaces serine 809 with arginine.
Molecular consequence: missense variant.
Genome position (GRCh38, 1-based): chr17:65,530,081, G>T on the plus strand (C>A on the coding strand, the complement: AXIN2 is on the minus strand). VCF-style: chr17-65530081-G-T. GRCh37 (hg19) VCF-style: chr17-63526199-G-T.
Other names: c.2232C>A, p.Ser744Arg (NM_001363813.1); short protein forms S809R, S744R.
Identifiers: ClinVar variation 1791103 (VCV001791103.9), dbSNP rs758857739, ClinGen allele CA400674939.